The following is an entry in ClinVar:

ClinVar aggregate classification (germline): Conflicting classifications of pathogenicity. Review status: criteria provided, conflicting classifications (1 of 4 stars). 4 submissions from 4 submitters: Uncertain significance (3); Likely benign (1). Last evaluated 2025-12-30.

Conditions:
Inborn genetic diseases. Identifiers: MedGen C0950123, MeSH D030342.
LAMA2-related muscular dystrophy (LAMA2-RD). Also called: Laminin alpha 2-related dystrophy. Identifiers: MedGen C5679788, MONDO:0100228.

Allele frequency attached by ClinVar (database versions not stated): gnomAD exomes 0.00001 and 0.00004; ExAC 0.00002; gnomAD 0.00002; TOPMed 0.00002; ESP Exome Variant Server 0.00008.
gnomAD v4.1: 22 of 1,611,766 alleles (0.0014%); highest among the groups gnomAD compares: Admixed American, 0.012%; no homozygotes.

Submissions (4):

Labcorp Genetics (formerly Invitae), Labcorp
Classification: Likely benign for LAMA2-related muscular dystrophy. Last evaluated: 2025-12-30. Review status: criteria provided, single submitter. Criteria: Invitae Variant Classification Sherloc (09022015). Collection method: clinical testing. Allele origin: germline.

Women's Health and Genetics/Laboratory Corporation of America, LabCorp
Classification: Uncertain significance. Last evaluated: 2024-12-24. Review status: criteria provided, single submitter. Criteria: LabCorp Variant Classification Summary - May 2015. Collection method: clinical testing. Allele origin: germline.
Comment: Variant summary: LAMA2 c.6647G>A (p.Arg2216His) results in a non-conservative amino acid change located in the Laminin G domain (IPR001791) of the encoded protein sequence. Four of five in-silico tools predict a damaging effect of the variant on protein function. The variant allele was found at a frequency of 3.6e-05 in 251040 control chromosomes. The available data on variant occurrences in the general population are insufficient to allow any conclusion about variant significance. To our knowledge, no occurrence of c.6647G>A in individuals affected with Merosin deficient congenital muscular dystrophy and no experimental evidence demonstrating its impact on protein function have been reported. ClinVar contains an entry for this variant (Variation ID: 964712). Based on the evidence outlined above, the variant was classified as uncertain significance.

Ambry Genetics
Classification: Uncertain significance for Inborn genetic diseases. Last evaluated: 2021-06-06. Review status: criteria provided, single submitter. Criteria: Ambry Variant Classification Scheme 2023. Collection method: clinical testing. Allele origin: germline.

Revvity Omics, Revvity
Classification: Uncertain significance. Last evaluated: 2020-04-21. Review status: criteria provided, single submitter. Criteria: ACMG Guidelines, 2015. Collection method: clinical testing. Allele origin: germline.

NM_000426.4(LAMA2):c.6647G>A (p.Arg2216His)

Gene: LAMA2 (laminin subunit alpha 2; plus strand). Cytogenetic location: 6q22.33.
Variant type: single nucleotide variant.
Coding change: c.6647G>A on transcript NM_000426.4 (MANE Select); coding-DNA position 6647, G replaced by A.
Protein change: p.Arg2216His; replaces arginine 2216 with histidine.
Molecular consequence: missense variant.
Genome position (GRCh38, 1-based): chr6:129,454,228, G>A. VCF-style: chr6-129454228-G-A. GRCh37 (hg19) VCF-style: chr6-129775373-G-A.
Other names: c.6647G>A, p.Arg2216His (NM_001079823.2); short protein forms R2216H.
Identifiers: ClinVar variation 964712 (VCV000964712.16), dbSNP rs371191809, ClinGen allele CA3994321.